The following is an entry in ClinVar:

ClinVar aggregate classification (germline): Uncertain significance (1 of 4 stars; one submission).

Submission:

GeneDx
Classification: Uncertain significance. Last evaluated: 2026-03-27. Review status: criteria provided, single submitter. Criteria: GeneDx Variant Classification Process June 2021. Collection method: clinical testing. Allele origin: germline.
Comment: Not observed at significant frequency in large population cohorts (gnomAD); In silico analysis suggests that this missense variant does not alter protein structure/function; Has not been previously published as pathogenic or benign to our knowledge

NM_014159.7(SETD2):c.5552C>G (p.Ala1851Gly)

Gene: SETD2 (SET domain containing 2, histone lysine methyltransferase; minus strand). Cytogenetic location: 3p21.31.
Variant type: single nucleotide variant.
Coding change: c.5552C>G on transcript NM_014159.7 (MANE Select); coding-DNA position 5552, C replaced by G.
Protein change: p.Ala1851Gly; replaces alanine 1851 with glycine.
Molecular consequence: missense variant. On other transcripts: non-coding transcript variant (1).
Genome position (GRCh38, 1-based): chr3:47,084,228, G>C on the plus strand (C>G on the coding strand, the complement: SETD2 is on the minus strand). VCF-style: chr3-47084228-G-C. GRCh37 (hg19) VCF-style: chr3-47125718-G-C.
Other names: c.5420C>G, p.Ala1807Gly (NM_001349370.3); short protein forms A1807G, A1851G.
Identifiers: ClinVar variation 5017481 (VCV005017481.1).